The following is an entry in ClinVar:

NM_017636.4(TRPM4):c.2882G>A (p.Ser961Asn)

Gene: TRPM4 (transient receptor potential cation channel subfamily M member 4; plus strand). Cytogenetic location: 19q13.33.
Variant type: single nucleotide variant.
Coding change: c.2882G>A on transcript NM_017636.4 (MANE Select); coding-DNA position 2882, G replaced by A.
Protein change: p.Ser961Asn; replaces serine 961 with asparagine.
Molecular consequence: missense variant.
Genome position (GRCh38, 1-based): chr19:49,200,714, G>A. VCF-style: chr19-49200714-G-A. GRCh37 (hg19) VCF-style: chr19-49703971-G-A.
Other names: c.2447G>A, p.Ser816Asn (NM_001195227.2); c.2537G>A, p.Ser846Asn (NM_001321281.2); c.1274G>A, p.Ser425Asn (NM_001321282.2); c.2360G>A, p.Ser787Asn (NM_001321283.2); c.1820G>A, p.Ser607Asn (NM_001321285.2); short protein forms S787N, S846N, S816N, S607N, S961N, S425N.
Identifiers: ClinVar variation 1797193 (VCV001797193.7), dbSNP rs1968894930, ClinGen allele CA406812004.

ClinVar aggregate classification (germline): Uncertain significance. Review status: criteria provided, multiple submitters, no conflicts (2 of 4 stars). 2 submissions from 2 submitters: Uncertain significance (2). Last evaluated 2022-07-29.

Conditions:
Cardiovascular phenotype. Identifiers: MedGen CN230736.
Progressive familial heart block type IB (PFHB1B). Identifiers: Orphanet 871, MedGen C1970298, MONDO:0011474, OMIM 604559.

Allele frequency attached by ClinVar (database versions not stated): TOPMed 0.00001.

Submissions (2):

Labcorp Genetics (formerly Invitae), Labcorp
Classification: Uncertain significance for Progressive familial heart block type IB. Last evaluated: 2022-07-29. Review status: criteria provided, single submitter. Criteria: Invitae Variant Classification Sherloc (09022015). Collection method: clinical testing. Allele origin: germline.
Comment: This sequence change replaces serine, which is neutral and polar, with asparagine, which is neutral and polar, at codon 961 of the TRPM4 protein (p.Ser961Asn). This variant is not present in population databases (gnomAD no frequency). This variant has not been reported in the literature in individuals affected with TRPM4-related conditions. Algorithms developed to predict the effect of missense changes on protein structure and function output the following: SIFT: "Tolerated"; PolyPhen-2: "Benign"; Align-GVGD: "Class C0". The asparagine amino acid residue is found in multiple mammalian species, which suggests that this missense change does not adversely affect protein function. In summary, the available evidence is currently insufficient to determine the role of this variant in disease. Therefore, it has been classified as a Variant of Uncertain Significance.

Ambry Genetics
Classification: Uncertain significance for Cardiovascular phenotype. Last evaluated: 2020-10-13. Review status: criteria provided, single submitter. Criteria: Ambry Variant Classification Scheme 2023. Collection method: clinical testing. Allele origin: germline.
Comment: The p.S961N variant (also known as c.2882G>A), located in coding exon 19 of the TRPM4 gene, results from a G to A substitution at nucleotide position 2882. The serine at codon 961 is replaced by asparagine, an amino acid with highly similar properties. This amino acid position is poorly conserved in available vertebrate species. In addition, this alteration is predicted to be tolerated by in silico analysis. Since supporting evidence is limited at this time, the clinical significance of this alteration remains unclear.